The following is an entry in ClinVar:

NM_006514.4(SCN10A):c.1092+1G>T

Gene: SCN10A (sodium voltage-gated channel alpha subunit 10; minus strand). Cytogenetic location: 3p22.2.
Variant type: single nucleotide variant.
Coding change: c.1092+1G>T on transcript NM_006514.4 (MANE Select); the canonical splice donor site of the intron after coding-DNA position 1092, G replaced by T.
Molecular consequence: splice donor variant.
Genome position (GRCh38, 1-based): chr3:38,757,017, C>A on the plus strand (G>T on the coding strand, the complement: SCN10A is on the minus strand). VCF-style: chr3-38757017-C-A. GRCh37 (hg19) VCF-style: chr3-38798508-C-A.
Other names: c.1092+1G>T (NM_001293307.2, NM_001293306.2).
Identifiers: ClinVar variation 4714008 (VCV004714008.1).

ClinVar aggregate classification (germline): Uncertain significance (1 of 4 stars; one submission).

Conditions:
Brugada syndrome. Also called: Sudden unexplained nocturnal death syndrome; Sudden unexpected nocturnal death syndrome; Sudden Unexplained Death Syndrome; Sudden Unexplained Nocturnal Death Syndrome (SUNDS). Identifiers: Orphanet 130, MedGen C1142166, MONDO:0015263.

gnomAD v4.1: 1 of 1,608,750 alleles (0.000062%); highest among the groups gnomAD compares: Non-Finnish European, 0.000085%; no homozygotes.

Submission:

Labcorp Genetics (formerly Invitae), Labcorp
Classification: Uncertain significance for Brugada syndrome. Last evaluated: 2025-02-27. Review status: criteria provided, single submitter. Criteria: Invitae Variant Classification Sherloc (09022015). Collection method: clinical testing. Allele origin: germline.
Comment: This sequence change affects a donor splice site in intron 8 of the SCN10A gene. It is expected to disrupt RNA splicing. Variants that disrupt the donor or acceptor splice site typically lead to a loss of protein function (PMID: 16199547), however the current clinical and genetic evidence is not sufficient to establish whether loss-of-function variants in SCN10A cause disease. This variant is not present in population databases (gnomAD no frequency). This variant has not been reported in the literature in individuals affected with SCN10A-related conditions. Algorithms developed to predict the effect of sequence changes on RNA splicing suggest that this variant may disrupt the consensus splice site. In summary, the available evidence is currently insufficient to determine the role of this variant in disease. Therefore, it has been classified as a Variant of Uncertain Significance.

Literature cited by the submitters: PubMed 16199547.